The following is an entry in ClinVar:

ClinVar aggregate classification (germline): Likely benign. Review status: criteria provided, multiple submitters, no conflicts (2 of 4 stars). 4 submissions from 4 submitters: Likely benign (4). Last evaluated 2025-12-08.

Conditions:
RYR1-related disorder. Also called: RYR1-related disorders; RYR1-related condition. Identifiers: MedGen CN239331.
Malignant hyperthermia, susceptibility to, 1 (MHS1). Also called: Malignant hyperthermia suceptibility 1; Anesthesia related hyperthermia; Malignant hyperpyrexia; Fulminating hyperpyrexia; Pharmacogenic myopathy; RYR1-Related Malignant Hyperthermia Susceptibility. Identifiers: Orphanet 423, MedGen C2930980, MONDO:0007783, OMIM 145600.

Allele frequency attached by ClinVar (database versions not stated): gnomAD exomes 0.00001 and 0.00004; gnomAD 0.00005 and 0.00006; TOPMed 0.00005.
gnomAD v4.1: 64 of 1,613,850 alleles (0.004%); highest among the groups gnomAD compares: Admixed American, 0.01%; 1 homozygote.

Submissions (4):

Labcorp Genetics (formerly Invitae), Labcorp
Classification: Likely benign for RYR1-related disorder. Last evaluated: 2025-12-08. Review status: criteria provided, single submitter. Criteria: Invitae Variant Classification Sherloc (09022015). Collection method: clinical testing. Allele origin: germline.

Blueprint Genetics
Classification: Likely benign. Last evaluated: 2024-05-17. Review status: criteria provided, single submitter. Criteria: ACMG Guidelines, 2015. Collection method: clinical testing. Allele origin: germline.

All of Us Research Program, National Institutes of Health
Classification: Likely benign for Malignant hyperthermia, susceptibility to, 1. Last evaluated: 2023-09-17. Review status: criteria provided, single submitter. Criteria: ACMG Guidelines, 2015. Collection method: clinical testing. Allele origin: germline. Inheritance: Autosomal dominant inheritance. Observed: 6 variant alleles, 6 heterozygotes.
Comment: This study involves interpretation of variants in research participants for the purpose of population health screening. Participant phenotype was not available at the time of variant classification. Additional details can be found in publication PMID: 35346344, PMCID: PMC8962531

Color Diagnostics, LLC DBA Color Health
Classification: Likely benign for Malignant hyperthermia, susceptibility to, 1. Last evaluated: 2022-12-08. Review status: criteria provided, single submitter. Criteria: ACMG Guidelines, 2015. Collection method: clinical testing. Allele origin: germline.

NM_000540.3(RYR1):c.8542-8C>T

Genes: RYR1 (ryanodine receptor 1; plus strand), LOC126862902 (BRD4-independent group 4 enhancer GRCh37_chr19:38995830-38997029; plus strand). Cytogenetic location: 19q13.2.
Variant type: single nucleotide variant.
Coding change: c.8542-8C>T on transcript NM_000540.3 (MANE Select); 8 bases into the intron before coding-DNA position 8542, C replaced by T.
Molecular consequence: intron variant.
Genome position (GRCh38, 1-based): chr19:38,506,295, C>T. VCF-style: chr19-38506295-C-T. GRCh37 (hg19) VCF-style: chr19-38996935-C-T.
Other names: c.8542-8C>T (NM_001042723.2).
Identifiers: ClinVar variation 699618 (VCV000699618.13), dbSNP rs1047438928, ClinGen allele CA308118187.